The following is an entry in ClinVar:

NM_001371986.1(UNC80):c.1408C>T (p.Arg470Trp)

Gene: UNC80 (unc-80 homolog, NALCN channel complex subunit; plus strand). Cytogenetic location: 2q34.
Variant type: single nucleotide variant.
Coding change: c.1408C>T on transcript NM_001371986.1 (MANE Select); coding-DNA position 1408, C replaced by T.
Protein change: p.Arg470Trp; replaces arginine 470 with tryptophan.
Molecular consequence: missense variant.
Genome position (GRCh38, 1-based): chr2:209,816,981, C>T. VCF-style: chr2-209816981-C-T. GRCh37 (hg19) VCF-style: chr2-210681705-C-T.
Other names: c.1408C>T, p.Arg470Trp (NM_032504.2, NM_182587.4); short protein forms R470W.
Identifiers: ClinVar variation 1964510 (VCV001964510.2), dbSNP rs1005780900, ClinGen allele CA64666446.

ClinVar aggregate classification (germline): Uncertain significance (1 of 4 stars; one submission).

Allele frequency attached by ClinVar (database versions not stated): gnomAD exomes below 0.00001; gnomAD 0.00001; TOPMed 0.00002.
gnomAD v4.1: 6 of 1,551,570 alleles (0.00039%); highest among the groups gnomAD compares: Middle Eastern, 0.017%; no homozygotes.

Submission:

Labcorp Genetics (formerly Invitae), Labcorp
Classification: Uncertain significance. Last evaluated: 2022-03-23. Review status: criteria provided, single submitter. Criteria: Invitae Variant Classification Sherloc (09022015). Collection method: clinical testing. Allele origin: germline.
Comment: This sequence change replaces arginine, which is basic and polar, with tryptophan, which is neutral and slightly polar, at codon 470 of the UNC80 protein (p.Arg470Trp). The frequency data for this variant in the population databases is considered unreliable, as metrics indicate poor data quality at this position in the gnomAD database. This variant has not been reported in the literature in individuals affected with UNC80-related conditions. Algorithms developed to predict the effect of missense changes on protein structure and function are either unavailable or do not agree on the potential impact of this missense change (SIFT: "Not Available"; PolyPhen-2: "Probably Damaging"; Align-GVGD: "Not Available"). In summary, the available evidence is currently insufficient to determine the role of this variant in disease. Therefore, it has been classified as a Variant of Uncertain Significance.